The following is an entry in ClinVar:

ClinVar aggregate classification (germline): Pathogenic (1 of 4 stars; one submission).

Conditions:
Joubert syndrome 8 (JBTS8). Identifiers: Orphanet 475, MedGen C2676771, MONDO:0012855, OMIM 612291.

Submission:

Labcorp Genetics (formerly Invitae), Labcorp
Classification: Pathogenic for Joubert syndrome 8. Last evaluated: 2025-08-11. Review status: criteria provided, single submitter. Criteria: Invitae Variant Classification Sherloc (09022015). Collection method: clinical testing. Allele origin: germline.
Comment: This sequence change creates a premature translational stop signal (p.Asn277Profs*8) in the ARL13B gene. It is expected to result in an absent or disrupted protein product. Loss-of-function variants in ARL13B are known to be pathogenic (PMID: 18674751). This variant is not present in population databases (gnomAD no frequency). This variant has not been reported in the literature in individuals affected with ARL13B-related conditions. For these reasons, this variant has been classified as Pathogenic.

Literature cited by the submitters: PubMed 18674751.

NM_001174150.2(ARL13B):c.822_823del (p.Asn277fs)

Gene: ARL13B (ARF like GTPase 13B; plus strand). Cytogenetic location: 3q11.2.
Variant type: Microsatellite.
Coding change: c.822_823del on transcript NM_001174150.2 (MANE Select); coding-DNA positions 822 to 823, 2 bases deleted (GA; older notation c.822_823delGA).
Protein change: p.Asn277fs; shifts the reading frame from asparagine 277.
Molecular consequence: frameshift variant. On other transcripts: non-coding transcript variant (2).
Genome position (GRCh38, 1-based): chr3:94,043,038-94,043,039, GA deleted; deleting any 2 consecutive bases within chr3:94,043,033-94,043,039 gives the same sequence; the c. name uses the placement nearest the transcript's 3' end. VCF-style (leftmost placement, unchanged base first): chr3-94043032-AAG-A. GRCh37 (hg19) VCF-style: chr3-93761876-AAG-A.
Other names: c.513_514del, p.Asn174fs (NM_001174151.2); c.777_778del, p.Asn262fs (NM_001321328.2); c.822_823del, p.Asn277fs (NM_001410782.1, NM_182896.3); c.501_502del, p.Asn170fs (NM_001437443.1, NM_144996.4); short protein forms N170fs, N262fs, N277fs, N174fs.
Identifiers: ClinVar variation 4764779 (VCV004764779.1).
Genomic context (GRCh38, chr3:94,043,032, plus strand): 5'-TAAAACCATCATAGTAAAGATAATGTATTTTATTTTTTGTTAGAATGAAGGAAAACTTGA[AAG>A]AGAGAAAAAAAACCAAAAAATGGAGAAAGACAGTGATGGCTGCCACCTGAAACATAAAAT-3'